The following is an entry in ClinVar:

ClinVar aggregate classification (germline): Benign. Review status: criteria provided, multiple submitters, no conflicts (2 of 4 stars). 4 submissions from 4 submitters: Benign (4). Last evaluated 2021-11-07.

Conditions:
Charcot-Marie-Tooth disease type 4B2. Also called: Charcot-Marie-Tooth Neuropathy Type 4B2; CHARCOT-MARIE-TOOTH DISEASE, WITH FOCALLY FOLDED MYELIN SHEATHS, AUTOSOMAL RECESSIVE, TYPE 4B2; CMT 4B2; CHARCOT-MARIE-TOOTH DISEASE, DEMYELINATING, TYPE 4B2. Identifiers: Orphanet 99956, MedGen C1858278, MONDO:0011475, OMIM 604563.

Allele frequency attached by ClinVar (database versions not stated): ESP Exome Variant Server 0.27229; TOPMed 0.29798; gnomAD exomes 0.30738; ExAC 0.30903; 1000 Genomes Project 30x 0.32698; 1000 Genomes Project 0.32748.
gnomAD v4.1: 402,155 of 1,517,130 alleles (27%); highest among the groups gnomAD compares: Admixed American, 39%; 55,554 homozygotes.

Submissions (4):

Genome-Nilou Lab
Classification: Benign for Charcot-Marie-Tooth disease type 4B2. Last evaluated: 2021-11-07. Review status: criteria provided, single submitter. Criteria: ACMG Guidelines, 2015. Collection method: clinical testing. Allele origin: germline. Affected: no.

GeneDx
Classification: Benign. Last evaluated: 2018-06-19. Review status: criteria provided, single submitter. Criteria: GeneDx Variant Classification Process June 2021. Collection method: clinical testing. Allele origin: germline. Affected: yes.

Illumina Laboratory Services, Illumina
Classification: Benign for Charcot-Marie-Tooth disease type 4B2. Last evaluated: 2018-01-13. Review status: criteria provided, single submitter. Criteria: ICSL Variant Classification Criteria 13 December 2019. Collection method: clinical testing. Allele origin: germline.
Comment: This variant was observed in the ICSL laboratory as part of a predisposition screen in an ostensibly healthy population. It had not been previously curated by ICSL or reported in the Human Gene Mutation Database (HGMD: prior to June 1st, 2018), and was therefore a candidate for classification through an automated scoring system. Utilizing variant allele frequency, disease prevalence and penetrance estimates, and inheritance mode, an automated score was calculated to assess if this variant is too frequent to cause the disease. Based on the score and internal cut-off values, a variant classified as benign is not then subjected to further curation. The score for this variant resulted in a classification of benign for this disease.

Breakthrough Genomics
Classification: Benign. Review status: criteria provided, single submitter. Criteria: ACMG Guidelines, 2015. Collection method: not provided. Allele origin: germline. Inheritance: Autosomal recessive inheritance. Affected: yes.

NM_030962.4(SBF2):c.*40A>C

Genes: SBF2-AS1 (SBF2 antisense RNA 1; plus strand), SBF2 (SET binding factor 2; minus strand). Cytogenetic location: 11p15.4.
Variant type: single nucleotide variant.
Coding change: c.*40A>C on transcript NM_030962.4 (MANE Select); 40 bases downstream of the stop codon, A replaced by C.
Molecular consequence: 3 prime UTR variant.
Genome position (GRCh38, 1-based): chr11:9,780,378, T>G on the plus strand (A>C on the coding strand, the complement: SBF2 is on the minus strand). VCF-style: chr11-9780378-T-G. GRCh37 (hg19) VCF-style: chr11-9801925-T-G.
Other names: c.*40A>C (NM_001386339.1, NM_001386342.1).
Identifiers: ClinVar variation 306572 (VCV000306572.10), dbSNP rs3751000, ClinGen allele CA5880672.